The following is an entry in ClinVar:

ClinVar aggregate classification (germline): Uncertain significance. Review status: criteria provided, multiple submitters, no conflicts (2 of 4 stars). 2 submissions from 2 submitters: Uncertain significance (2). Last evaluated 2025-10-07.

Conditions:
MED12-Related Disorders. Also called: MED12-related condition; MED12-related disorder. Identifiers: MedGen CN381102.
Familial thoracic aortic aneurysm and aortic dissection (TAAD). Also called: Thoracic aortic aneurysms and dissections. Identifiers: Orphanet 91387, MedGen C4707243, MONDO:0019625.

Submissions (2):

PreventionGenetics, part of Exact Sciences
Classification: Uncertain significance for MED12-related condition. Last evaluated: 2025-10-07. Review status: criteria provided, single submitter. Criteria: ACMG Guidelines, 2015. Collection method: clinical testing. Allele origin: germline.
Comment: The MED12 c.656T>C variant is predicted to result in the amino acid substitution p.Ile219Thr. To our knowledge, this variant has not been reported in the literature or in a large population database (gnomAD), indicating this variant is rare. At this time, the clinical significance of this variant is uncertain due to the absence of conclusive functional and genetic evidence.

Ambry Genetics
Classification: Uncertain significance for Familial thoracic aortic aneurysm and aortic dissection. Last evaluated: 2023-02-27. Review status: criteria provided, single submitter. Criteria: Ambry Variant Classification Scheme 2023. Collection method: clinical testing. Allele origin: germline.
Comment: The p.I219T variant (also known as c.656T>C), located in coding exon 5 of the MED12 gene, results from a T to C substitution at nucleotide position 656. The isoleucine at codon 219 is replaced by threonine, an amino acid with similar properties. This amino acid position is conserved. In addition, this alteration is predicted to be tolerated by in silico analysis. Since supporting evidence is limited at this time, the clinical significance of this alteration remains unclear.

NM_005120.3(MED12):c.656T>C (p.Ile219Thr)

Gene: MED12 (mediator complex subunit 12; plus strand). Cytogenetic location: Xq13.1.
Variant type: single nucleotide variant.
Coding change: c.656T>C on transcript NM_005120.3 (MANE Select); coding-DNA position 656, T replaced by C.
Protein change: p.Ile219Thr; replaces isoleucine 219 with threonine.
Molecular consequence: missense variant.
Genome position (GRCh38, 1-based): chrX:71,121,073, T>C. VCF-style: chrX-71121073-T-C. GRCh37 (hg19) VCF-style: chrX-70340923-T-C.
Other names: short protein forms I219T.
Identifiers: ClinVar variation 2450613 (VCV002450613.3), dbSNP rs2147777688, ClinGen allele CA413500836.